The following is an entry in ClinVar:

NM_203446.3(SYNJ1):c.2209C>T (p.Leu737Phe)

Gene: SYNJ1 (synaptojanin 1; minus strand). Cytogenetic location: 21q22.11.
Variant type: single nucleotide variant.
Coding change: c.2209C>T on transcript NM_203446.3 (MANE Select); coding-DNA position 2209, C replaced by T.
Protein change: p.Leu737Phe; replaces leucine 737 with phenylalanine.
Molecular consequence: missense variant.
Genome position (GRCh38, 1-based): chr21:32,665,008, G>A on the plus strand (C>T on the coding strand, the complement: SYNJ1 is on the minus strand). VCF-style: chr21-32665008-G-A. GRCh37 (hg19) VCF-style: chr21-34037318-G-A.
Other names: c.2209C>T, p.Leu737Phe (NM_001160302.2); c.2194C>T, p.Leu732Phe (NM_001160306.2); c.2326C>T, p.Leu776Phe (NM_003895.4); short protein forms L776F, L737F, L732F.
Identifiers: ClinVar variation 1936614 (VCV001936614.2), dbSNP rs2517619682, ClinGen allele CA410077388.

ClinVar aggregate classification (germline): Uncertain significance (1 of 4 stars; one submission).

Conditions:
Developmental and epileptic encephalopathy, 53. Also called: Epileptic encephalopathy, early infantile, 53. Identifiers: MedGen C4479313, MONDO:0033362, OMIM 617389.
Early-onset Parkinson disease 20. Also called: PARKINSON DISEASE 20, AUTOSOMAL RECESSIVE EARLY-ONSET. Identifiers: Orphanet 391411, MedGen C3809824, MONDO:0014233, OMIM 615530.

Submission:

Labcorp Genetics (formerly Invitae), Labcorp
Classification: Uncertain significance for Developmental and epileptic encephalopathy, 53; Early-onset Parkinson disease 20. Last evaluated: 2022-03-09. Review status: criteria provided, single submitter. Criteria: Invitae Variant Classification Sherloc (09022015). Collection method: clinical testing. Allele origin: germline.
Comment: This sequence change replaces leucine, which is neutral and non-polar, with phenylalanine, which is neutral and non-polar, at codon 776 of the SYNJ1 protein (p.Leu776Phe). This variant is not present in population databases (gnomAD no frequency). This variant has not been reported in the literature in individuals affected with SYNJ1-related conditions. Algorithms developed to predict the effect of missense changes on protein structure and function are either unavailable or do not agree on the potential impact of this missense change (SIFT: "Deleterious"; PolyPhen-2: "Probably Damaging"; Align-GVGD: "Class C0"). In summary, the available evidence is currently insufficient to determine the role of this variant in disease. Therefore, it has been classified as a Variant of Uncertain Significance.